The following is an entry in ClinVar:

ClinVar aggregate classification (germline): Uncertain significance (1 of 4 stars; one submission).

Conditions:
Pilarowski-Bjornsson syndrome. Also called: DEVELOPMENTAL DELAY AND SPEECH APRAXIA WITH OR WITHOUT SEIZURES. Identifiers: Orphanet 529965, MedGen C4540131, MONDO:0060568, OMIM 617682.

gnomAD v4.1: 2 of 1,586,116 alleles (0.00013%); highest among the groups gnomAD compares: African/African-American, 0.0014%; no homozygotes.

Submission:

Dasa
Classification: Uncertain significance for Pilarowski-Bjornsson syndrome. Last evaluated: 2026-01-10. Review status: criteria provided, single submitter. Criteria: DASA Assertion Criteria. Collection method: clinical testing. Allele origin: germline.
Comment: NM_001270.4(CHD1):c.2561G>T (p.Gly854Val) is a missense variant that results in the substitution of glycine with valine. This variant is rare in population databases. Computational prediction algorithms are consistent with a deleterious effect. The currently available literature and clinical evidence are not sufficient to establish a definitive association between this variant and the reported condition. Therefore, this variant is classified as a variant of uncertain significance.

NM_001270.4(CHD1):c.2561G>T (p.Gly854Val)

Gene: CHD1 (chromodomain helicase DNA binding protein 1; minus strand). Cytogenetic location: 5q15.
Variant type: single nucleotide variant.
Coding change: c.2561G>T on transcript NM_001270.4 (MANE Select); coding-DNA position 2561, G replaced by T.
Protein change: p.Gly854Val; replaces glycine 854 with valine.
Molecular consequence: missense variant. On other transcripts: non-coding transcript variant (2).
Genome position (GRCh38, 1-based): chr5:98,885,585, C>A on the plus strand (G>T on the coding strand, the complement: CHD1 is on the minus strand). VCF-style: chr5-98885585-C-A. GRCh37 (hg19) VCF-style: chr5-98221289-C-A.
Other names: c.2561G>T, p.Gly854Val (NM_001364113.3, NM_001376194.2); short protein forms G854V.
Identifiers: ClinVar variation 4881081 (VCV004881081.2).
Genomic context (GRCh38, chr5:98,885,585, plus strand): 5'-TATACTGATACTAAATCAAAATTATTTATAATTTTAAAAGCACTAATACATACCTCTGAT[C>A]CCTCAGCATTAAAATGATCTAGAGCTTGTTTCCTCAGTTCTCCTTTTATTGATCCATCTA-3'
Protein context (NP_001261.2, residues 844-864): KQALDHFNAE[Gly854Val]SEDFCFLLST